The following is an entry in ClinVar:

NM_014946.4(SPAST):c.1413+3A>G

Gene: SPAST (spastin; plus strand). Cytogenetic location: 2p22.3.
Variant type: single nucleotide variant.
Coding change: c.1413+3A>G on transcript NM_014946.4 (MANE Select); 3 bases into the intron after coding-DNA position 1413, A replaced by G.
Molecular consequence: intron variant.
Genome position (GRCh38, 1-based): chr2:32,136,971, A>G. VCF-style: chr2-32136971-A-G. GRCh37 (hg19) VCF-style: chr2-32362040-A-G.
Other names: c.1317+3A>G (NM_199436.2, NM_001377959.1); c.1410+3A>G (NM_001363823.2); c.1314+3A>G (NM_001363875.2).
Identifiers: ClinVar variation 3775725 (VCV003775725.1).

ClinVar aggregate classification (germline): Uncertain significance (1 of 4 stars; one submission).

Conditions:
Hereditary spastic paraplegia 4. Also called: Spastic Paraplegia 4; Familial spastic paraplegia autosomal dominant 2; Spastic paraplegia 4, autosomal dominant. Identifiers: Orphanet 100985, MedGen C1866855, MONDO:0008438, OMIM 182601.

Submission:

3billion
Classification: Uncertain significance for Hereditary spastic paraplegia 4. Last evaluated: 2023-10-24. Review status: criteria provided, single submitter. Criteria: ACMG Guidelines, 2015. Collection method: clinical testing. Allele origin: germline. Affected: yes.
Comment: The variant is not observed in the gnomAD v2.1.1 dataset. Predicted Consequence/Location: Intron variant predicted to alter splicing. In silico tools predict the variant to alter splicing and produce an abnormal transcript [SpliceAI: 0.27 (>=0.2, moderate evidence for spliceogenicity)]. Therefore, this variant is classified as VUS according to the recommendation of ACMG/AMP guideline.